The following is an entry in ClinVar:

ClinVar aggregate classification (germline): Uncertain significance (1 of 4 stars; one submission).

Submission:

GeneDx
Classification: Uncertain significance. Last evaluated: 2024-09-04. Review status: criteria provided, single submitter. Criteria: GeneDx Variant Classification Process June 2021. Collection method: clinical testing. Allele origin: germline. Affected: yes.
Comment: Not observed at significant frequency in large population cohorts (gnomAD); In silico analysis supports that this missense variant has a deleterious effect on protein structure/function; Has not been previously published as pathogenic or benign to our knowledge

NM_000489.6(ATRX):c.6800C>T (p.Thr2267Ile)

Gene: ATRX (ATRX chromatin remodeler; minus strand). Cytogenetic location: Xq21.1.
Variant type: single nucleotide variant.
Coding change: c.6800C>T on transcript NM_000489.6 (MANE Select); coding-DNA position 6800, C replaced by T.
Protein change: p.Thr2267Ile; replaces threonine 2267 with isoleucine.
Molecular consequence: missense variant.
Genome position (GRCh38, 1-based): chrX:77,523,301, G>A on the plus strand (C>T on the coding strand, the complement: ATRX is on the minus strand). VCF-style: chrX-77523301-G-A. GRCh37 (hg19) VCF-style: chrX-76778779-G-A.
Other names: c.6686C>T, p.Thr2229Ile (NM_138270.5); short protein forms T2229I, T2267I.
Identifiers: ClinVar variation 3767816 (VCV003767816.1).